The following is an entry in ClinVar:

ClinVar aggregate classification (germline): Uncertain significance (1 of 4 stars; one submission).

Allele frequency attached by ClinVar (database versions not stated): gnomAD exomes below 0.00001; TOPMed below 0.00001.
gnomAD v4.1: 2 of 1,613,744 alleles (0.00012%); highest among the groups gnomAD compares: Admixed American, 0.0017%; no homozygotes.

Submission:

GeneDx
Classification: Uncertain significance. Last evaluated: 2023-06-02. Review status: criteria provided, single submitter. Criteria: GeneDx Variant Classification Process June 2021. Collection method: clinical testing. Allele origin: germline. Affected: yes.
Comment: In silico analysis supports that this missense variant does not alter protein structure/function; Has not been previously published as pathogenic or benign to our knowledge

NM_030632.3(ASXL3):c.1568C>T (p.Ser523Leu)

Gene: ASXL3 (ASXL transcriptional regulator 3; plus strand). Cytogenetic location: 18q12.1.
Variant type: single nucleotide variant.
Coding change: c.1568C>T on transcript NM_030632.3 (MANE Select); coding-DNA position 1568, C replaced by T.
Protein change: p.Ser523Leu; replaces serine 523 with leucine.
Molecular consequence: missense variant.
Genome position (GRCh38, 1-based): chr18:33,738,972, C>T. VCF-style: chr18-33738972-C-T. GRCh37 (hg19) VCF-style: chr18-31318936-C-T.
Other names: short protein forms S523L.
Identifiers: ClinVar variation 1307551 (VCV001307551.3), dbSNP rs1433986652, ClinGen allele CA402175868.